The following is an entry in ClinVar:

NM_005996.4(TBX3):c.1949T>C (p.Leu650Pro)

Gene: TBX3 (T-box transcription factor 3; minus strand). Cytogenetic location: 12q24.21.
Variant type: single nucleotide variant.
Coding change: c.1949T>C on transcript NM_005996.4 (MANE Select); coding-DNA position 1949, T replaced by C.
Protein change: p.Leu650Pro; replaces leucine 650 with proline.
Molecular consequence: missense variant.
Genome position (GRCh38, 1-based): chr12:114,672,064, A>G on the plus strand (T>C on the coding strand, the complement: TBX3 is on the minus strand). VCF-style: chr12-114672064-A-G. GRCh37 (hg19) VCF-style: chr12-115109869-A-G.
Other names: c.2009T>C, p.Leu670Pro (NM_016569.4); short protein forms L650P, L670P.
Identifiers: ClinVar variation 4762181 (VCV004762181.1).
Genomic context (GRCh38, chr12:114,672,064, plus strand): 5'-GAGCCCGAGTCCACTGCCACCGAGGCCGGGCTGGCGGCCAGGGCGGCGACTTTGCCGTCC[A>G]GGGGCCCCGCGGCCGCCGCCATGGAGGGCAGGGCGGTGGTGAGCAGACTGCTGCCGTCCG-3'
Protein context (NP_005987.3, residues 640-660): LPSMAAAAGP[Leu650Pro]DGKVAALAAS

ClinVar aggregate classification (germline): Uncertain significance (1 of 4 stars; one submission).

Conditions:
Ulnar-mammary syndrome (UMS). Also called: SCHINZEL SYNDROME; Ulnar-mammary syndrome of Pallister; PALLISTER ULNAR-MAMMARY SYNDROME. Identifiers: Orphanet 3138, MedGen C1866994, MONDO:0008411, OMIM 181450.

Submission:

Labcorp Genetics (formerly Invitae), Labcorp
Classification: Uncertain significance for Ulnar-mammary syndrome. Last evaluated: 2025-09-08. Review status: criteria provided, single submitter. Criteria: Invitae Variant Classification Sherloc (09022015). Collection method: clinical testing. Allele origin: germline.
Comment: This sequence change replaces leucine, which is neutral and non-polar, with proline, which is neutral and non-polar, at codon 650 of the TBX3 protein (p.Leu650Pro). This variant is not present in population databases (gnomAD no frequency). This variant has not been reported in the literature in individuals affected with TBX3-related conditions. An algorithm developed to predict the effect of missense changes on protein structure and function (PolyPhen-2) suggests that this variant is likely to be tolerated. In summary, the available evidence is currently insufficient to determine the role of this variant in disease. Therefore, it has been classified as a Variant of Uncertain Significance.